The following is an entry in ClinVar:

ClinVar aggregate classification (germline): Uncertain significance (1 of 4 stars; one submission).

Conditions:
Dilated cardiomyopathy 1G (CMD1G). Identifiers: Orphanet 154, MedGen C1858763, MONDO:0011400, OMIM 604145.
Autosomal recessive limb-girdle muscular dystrophy type 2J (LGMDR10). Also called: Limb-girdle muscular dystrophy, type 2J; MUSCULAR DYSTROPHY, LIMB-GIRDLE, AUTOSOMAL RECESSIVE 10. Identifiers: Orphanet 140922, MedGen C1837342, MONDO:0012127, OMIM 608807.

Allele frequency attached by ClinVar (database versions not stated): gnomAD exomes below 0.00001; gnomAD 0.00001.
gnomAD v4.1: 5 of 1,613,776 alleles (0.00031%); highest among the groups gnomAD compares: African/African-American, 0.0027%; no homozygotes.

Submission:

Labcorp Genetics (formerly Invitae), Labcorp
Classification: Uncertain significance for Dilated cardiomyopathy 1G; Autosomal recessive limb-girdle muscular dystrophy type 2J. Last evaluated: 2025-02-10. Review status: criteria provided, single submitter. Criteria: Invitae Variant Classification Sherloc (09022015). Collection method: clinical testing. Allele origin: germline.
Comment: This sequence change replaces valine, which is neutral and non-polar, with isoleucine, which is neutral and non-polar, at codon 33796 of the TTN protein (p.Val33796Ile). This variant is present in population databases (no rsID available, gnomAD 0.003%). This variant has not been reported in the literature in individuals affected with TTN-related conditions. ClinVar contains an entry for this variant (Variation ID: 961775). Experimental studies and prediction algorithms are not available or were not evaluated, and the functional significance of this variant is currently unknown. This variant is located in the M band of TTN (PMID: 25589632). Non-truncating variants in this region may be relevant for neuromuscular disorders, but have not been definitively shown to cause cardiomyopathy (PMID: 23975875). In summary, the available evidence is currently insufficient to determine the role of this variant in disease. Therefore, it has been classified as a Variant of Uncertain Significance.

Literature cited by the submitters: PubMed 25589632; PubMed 23975875.

NM_001267550.2(TTN):c.101386G>A (p.Val33796Ile)

Genes: TTN (titin; minus strand), TTN-AS1 (TTN antisense RNA 1; plus strand). Cytogenetic location: 2q31.2.
Variant type: single nucleotide variant.
Coding change: c.101386G>A on transcript NM_001267550.2 (MANE Select); coding-DNA position 101386, G replaced by A.
Protein change: p.Val33796Ile; replaces valine 33796 with isoleucine.
Molecular consequence: missense variant.
Genome position (GRCh38, 1-based): chr2:178,535,229, C>T on the plus strand (G>A on the coding strand, the complement: TTN is on the minus strand). VCF-style: chr2-178535229-C-T. GRCh37 (hg19) VCF-style: chr2-179399956-C-T.
Other names: c.96463G>A, p.Val32155Ile (NM_001256850.1); c.74191G>A, p.Val24731Ile (NM_003319.4); c.93682G>A, p.Val31228Ile (NM_133378.4); c.74566G>A, p.Val24856Ile (NM_133432.3); c.74767G>A, p.Val24923Ile (NM_133437.4); short protein forms V32155I, V33796I, V31228I, V24731I, V24856I, V24923I.
Identifiers: ClinVar variation 961775 (VCV000961775.8), dbSNP rs1160027812, ClinGen allele CA349420824.